The following is an entry in ClinVar:

ClinVar aggregate classification (germline): Pathogenic (1 of 4 stars; one submission).

Conditions:
Usher syndrome type 1F (USH1F). Also called: USHER SYNDROME, TYPE IF. Identifiers: Orphanet 231169, Orphanet 886, MedGen C1865885, MONDO:0011186, OMIM 602083.

gnomAD v4.1: 1 of 1,613,946 alleles (0.000062%); highest among the groups gnomAD compares: Non-Finnish European, 0.000085%; no homozygotes.

Submission:

Myriad Genetics, Inc.
Classification: Pathogenic for Usher syndrome type 1F. Last evaluated: 2024-11-23. Review status: criteria provided, single submitter. Criteria: Myriad Autosomal Dominant, Autosomal Recessive and X-Linked Classification Criteria (2023). Collection method: clinical testing. Allele origin: unknown.
Comment: NM_033056.3(PCDH15):c.257T>A(L86*) is expected to be pathogenic in the context of PCDH15-related disorders. This variant is predicted to lead to an abnormal or absent protein product due to the creation of a premature termination codon in PCDH15, a gene where loss-of-function variants are known to be pathogenic. Please note: this variant was assessed in the context of healthy population screening.

NM_001384140.1(PCDH15):c.257T>A (p.Leu86Ter)

Gene: PCDH15 (protocadherin related 15; minus strand). Cytogenetic location: 10q21.1.
Variant type: single nucleotide variant.
Coding change: c.257T>A on transcript NM_001384140.1 (MANE Select); coding-DNA position 257, T replaced by A.
Protein change: p.Leu86Ter; replaces leucine 86 with a stop codon.
Molecular consequence: nonsense.
Genome position (GRCh38, 1-based): chr10:54,378,843, A>T on the plus strand (T>A on the coding strand, the complement: PCDH15 is on the minus strand). VCF-style: chr10-54378843-A-T. GRCh37 (hg19) VCF-style: chr10-56138603-A-T.
Other names: c.272T>A, p.Leu91Ter (NM_001142763.2, NM_001142769.4, NM_001142771.2); c.257T>A, p.Leu86Ter (NM_001142764.2, NM_001142765.2, NM_001142766.2 and 8 more transcripts); c.191T>A, p.Leu64Ter (NM_001142768.2, NM_001142773.2, NM_001354404.2); short protein forms L64*, L86*, L91*.
Identifiers: ClinVar variation 5013797 (VCV005013797.1).